The following is an entry in ClinVar:

NM_015665.6(AAAS):c.270T>G (p.Phe90Leu)

Gene: AAAS (aladin WD repeat nucleoporin; minus strand). Cytogenetic location: 12q13.13.
Variant type: single nucleotide variant.
Coding change: c.270T>G on transcript NM_015665.6 (MANE Select); coding-DNA position 270, T replaced by G.
Protein change: p.Phe90Leu; replaces phenylalanine 90 with leucine.
Molecular consequence: missense variant.
Genome position (GRCh38, 1-based): chr12:53,315,764, A>C on the plus strand (T>G on the coding strand, the complement: AAAS is on the minus strand). VCF-style: chr12-53315764-A-C. GRCh37 (hg19) VCF-style: chr12-53709548-A-C.
Other names: c.270T>G, p.Phe90Leu (NM_001173466.2); short protein forms F90L.
Identifiers: ClinVar variation 373326 (VCV000373326.7), dbSNP rs140405180, ClinGen allele CA6599280.

ClinVar aggregate classification (germline): Conflicting classifications of pathogenicity. Review status: criteria provided, conflicting classifications (1 of 4 stars). 4 submissions from 4 submitters: Uncertain significance (2); Likely benign (1). 1 of the submissions does not count toward it. Last evaluated 2024-10-28.

Conditions:
AAAS-related disorder. Also called: AAAS-related condition.
Inborn genetic diseases. Identifiers: MedGen C0950123, MeSH D030342.

Allele frequency attached by ClinVar (database versions not stated): gnomAD exomes 0.00006 and 0.00016; ExAC 0.00016; 1000 Genomes Project 30x 0.00031; 1000 Genomes Project 0.00040; ESP Exome Variant Server 0.00046; gnomAD 0.00054 and 0.00061; TOPMed 0.00073.
gnomAD v4.1: 176 of 1,613,744 alleles (0.011%); highest among the groups gnomAD compares: African/African-American, 0.21%; no homozygotes.

Submissions (4):

Labcorp Genetics (formerly Invitae), Labcorp
Classification: Uncertain significance. Last evaluated: 2024-10-28. Review status: criteria provided, single submitter. Criteria: Invitae Variant Classification Sherloc (09022015). Collection method: clinical testing. Allele origin: germline.
Comment: This sequence change replaces phenylalanine, which is neutral and non-polar, with leucine, which is neutral and non-polar, at codon 90 of the AAAS protein (p.Phe90Leu). This variant is present in population databases (rs140405180, gnomAD 0.2%). This variant has not been reported in the literature in individuals affected with AAAS-related conditions. ClinVar contains an entry for this variant (Variation ID: 373326). Invitae Evidence Modeling of protein sequence and biophysical properties (such as structural, functional, and spatial information, amino acid conservation, physicochemical variation, residue mobility, and thermodynamic stability) indicates that this missense variant is not expected to disrupt AAAS protein function with a negative predictive value of 80%. In summary, the available evidence is currently insufficient to determine the role of this variant in disease. Therefore, it has been classified as a Variant of Uncertain Significance.

Ambry Genetics
Classification: Likely benign for Inborn genetic diseases. Last evaluated: 2022-08-30. Review status: criteria provided, single submitter. Criteria: Ambry Variant Classification Scheme 2023. Collection method: clinical testing. Allele origin: germline.

GeneDx
Classification: Uncertain significance. Last evaluated: 2016-12-06. Review status: criteria provided, single submitter. Criteria: GeneDx Variant Classification (06012015). Collection method: clinical testing. Allele origin: germline. Affected: yes.
Comment: The F90L variant in the AAAS gene has not been reported previously as a pathogenic variant, nor as a benign variant, to our knowledge. The F90L variant was not observed with any significant frequency in approximately 6500 individuals of European and African American ancestry in the NHLBI Exome Sequencing Project, indicating it is not a common benign variant in these populations. The F90L variant is a conservative amino acid substitution, which is not likely to impact secondary protein structure as these residues share similar properties. This substitution occurs at a position that is not conserved. In silico analysis is inconsistent in its predictions as to whether or not the variant is damaging to the protein structure/function. We interpret F90L as a variant of uncertain significance.

PreventionGenetics, part of Exact Sciences
Classification: Likely benign for AAAS-related condition. Last evaluated: 2022-06-01. Review status: no assertion criteria provided. Collection method: clinical testing. Allele origin: germline. Not counted in ClinVar's aggregate classification.
Comment: This variant is classified as likely benign based on ACMG/AMP sequence variant interpretation guidelines (Richards et al. 2015 PMID: 25741868, with internal and published modifications).